The following is an entry in ClinVar:

ClinVar aggregate classification (germline): Uncertain significance (1 of 4 stars; one submission).

Conditions:
Neuromuscular disease caused by qualitative or quantitative defects of dysferlin. Also called: Dysferlinopathy; Qualitative or quantitative defects of dysferlin. Identifiers: Orphanet 207073, MedGen C2931687, MONDO:0016145.

gnomAD v4.1: 1 of 1,613,160 alleles (0.000062%); highest among the groups gnomAD compares: African/African-American, 0.0013%; no homozygotes.

Submission:

Labcorp Genetics (formerly Invitae), Labcorp
Classification: Uncertain significance for Neuromuscular disease caused by qualitative or quantitative defects of dysferlin. Last evaluated: 2021-12-13. Review status: criteria provided, single submitter. Criteria: Invitae Variant Classification Sherloc (09022015). Collection method: clinical testing. Allele origin: germline.
Comment: This sequence change replaces threonine, which is neutral and polar, with lysine, which is basic and polar, at codon 1261 of the DYSF protein (p.Thr1261Lys). This variant is not present in population databases (gnomAD no frequency). This variant has not been reported in the literature in individuals affected with DYSF-related conditions. Advanced modeling of protein sequence and biophysical properties (such as structural, functional, and spatial information, amino acid conservation, physicochemical variation, residue mobility, and thermodynamic stability) performed at Invitae indicates that this missense variant is not expected to disrupt DYSF protein function. Algorithms developed to predict the effect of sequence changes on RNA splicing suggest that this variant may create or strengthen a splice site. In summary, the available evidence is currently insufficient to determine the role of this variant in disease. Therefore, it has been classified as a Variant of Uncertain Significance.

NM_001130987.2(DYSF):c.3836C>A (p.Thr1279Lys)

Gene: DYSF (dysferlin; plus strand). Cytogenetic location: 2p13.2.
Variant type: single nucleotide variant.
Coding change: c.3836C>A on transcript NM_001130987.2 (MANE Select); coding-DNA position 3836, C replaced by A.
Protein change: p.Thr1279Lys; replaces threonine 1279 with lysine.
Molecular consequence: missense variant.
Genome position (GRCh38, 1-based): chr2:71,600,781, C>A. VCF-style: chr2-71600781-C-A. GRCh37 (hg19) VCF-style: chr2-71827911-C-A.
Other names: c.3785C>A, p.Thr1262Lys (NM_001130455.2, NM_001130983.2); c.3740C>A, p.Thr1247Lys (NM_001130976.2, NM_001130977.2); c.3782C>A, p.Thr1261Lys (NM_001130978.2, NM_003494.4); c.3875C>A, p.Thr1292Lys (NM_001130979.2); c.3833C>A, p.Thr1278Lys (NM_001130980.2, NM_001130981.2); c.3878C>A, p.Thr1293Lys (NM_001130982.2); c.3743C>A, p.Thr1248Lys (NM_001130984.2, NM_001130986.2); c.3836C>A, p.Thr1279Lys (NM_001130985.2); short protein forms T1293K, T1248K, T1278K, T1247K, T1261K, T1262K, T1279K, T1292K.
Identifiers: ClinVar variation 1430510 (VCV001430510.3), dbSNP rs202013788, ClinGen allele CA347225356.